The following is an entry in ClinVar:

NM_006445.4(PRPF8):c.2409G>A (p.Ala803=)

Gene: PRPF8 (pre-mRNA processing factor 8; minus strand). Cytogenetic location: 17p13.3.
Variant type: single nucleotide variant.
Coding change: c.2409G>A on transcript NM_006445.4 (MANE Select); coding-DNA position 2409, G replaced by A.
Protein change: p.Ala803=; no amino-acid change (alanine 803 retained).
Molecular consequence: synonymous variant.
Genome position (GRCh38, 1-based): chr17:1,676,350, C>T on the plus strand (G>A on the coding strand, the complement: PRPF8 is on the minus strand). VCF-style: chr17-1676350-C-T. GRCh37 (hg19) VCF-style: chr17-1579644-C-T.
Identifiers: ClinVar variation 321904 (VCV000321904.15), dbSNP rs114284408, ClinGen allele CA8272119.

ClinVar aggregate classification (germline): Benign. Review status: criteria provided, multiple submitters, no conflicts (2 of 4 stars). 3 submissions from 3 submitters: Benign (3). Last evaluated 2026-01-19.

Conditions:
Retinitis pigmentosa (RP). Identifiers: Orphanet 791, MedGen C0035334, MeSH D012174, MONDO:0019200, OMIM 268000. Inheritance: Autosomal dominant, autosomal recessive and X linked inheritance.

Allele frequency attached by ClinVar (database versions not stated): ESP Exome Variant Server 0.01084; gnomAD 0.01160 and 0.01227; TOPMed 0.01180; 1000 Genomes Project 0.01318; 1000 Genomes Project 30x 0.01405; gnomAD exomes 0.00149 and 0.00397; ExAC 0.00444.
gnomAD v4.1: 3,989 of 1,614,136 alleles (0.25%); highest among the groups gnomAD compares: African/African-American, 3.6%; 56 homozygotes.

Submissions (3):

Labcorp Genetics (formerly Invitae), Labcorp
Classification: Benign. Last evaluated: 2026-01-19. Review status: criteria provided, single submitter. Criteria: Invitae Variant Classification Sherloc (09022015). Collection method: clinical testing. Allele origin: germline.

Illumina Laboratory Services, Illumina
Classification: Benign for Retinitis pigmentosa. Last evaluated: 2018-01-13. Review status: criteria provided, single submitter. Criteria: ICSL Variant Classification Criteria 13 December 2019. Collection method: clinical testing. Allele origin: germline.
Comment: This variant was observed in the ICSL laboratory as part of a predisposition screen in an ostensibly healthy population. It had not been previously curated by ICSL or reported in the Human Gene Mutation Database (HGMD: prior to June 1st, 2018), and was therefore a candidate for classification through an automated scoring system. Utilizing variant allele frequency, disease prevalence and penetrance estimates, and inheritance mode, an automated score was calculated to assess if this variant is too frequent to cause the disease. Based on the score and internal cut-off values, a variant classified as benign is not then subjected to further curation. The score for this variant resulted in a classification of benign for this disease.

Breakthrough Genomics
Classification: Benign. Review status: criteria provided, single submitter. Criteria: ACMG Guidelines, 2015. Collection method: not provided. Allele origin: germline. Inheritance: Autosomal dominant inheritance. Affected: yes.